The following is an entry in ClinVar:

NM_001371904.1(APOA5):c.42dup (p.Leu15fs)

Genes: APOA5 (apolipoprotein A5; minus strand), LOC108491825 (enhancer-blocking element 11-1-2 overlapping APOA5; plus strand). Cytogenetic location: 11q23.3.
Variant type: Duplication.
Coding change: c.42dup on transcript NM_001371904.1 (MANE Select); coding-DNA position 42, one base duplicated (T; older notation c.42dupT).
Protein change: p.Leu15fs; shifts the reading frame from leucine 15.
Molecular consequence: frameshift variant.
Genome position (GRCh38, 1-based): chr11:116,791,819, A duplicated on the plus strand (T on the coding strand, the reverse complement: APOA5 is on the minus strand); the first of 2 consecutive A bases (chr11:116,791,819-116,791,820); duplicating either gives the same sequence. VCF-style (leftmost placement, unchanged base first): chr11-116791818-G-GA. GRCh37 (hg19) VCF-style: chr11-116662534-G-GA.
Other names: c.42dup, p.Leu15fs (NM_001166598.2, NM_052968.5); short protein forms L15fs.
Identifiers: ClinVar variation 2587093 (VCV002587093.2), dbSNP rs2540246645, ClinGen allele CA2582342476.
Genomic context (GRCh38, chr11:116,791,818, plus strand): 5'-CTCTGGCCAGCCTCCACCCACACCCCCACGTTGAAGTCAGGGTCGGAGACCCACCTGAAA[G>GA]AAGAGCCAGAGCCCAGGTGAGCACGGCAGCCATGCTTGCCATTACCTGCTCTGAGAAGAC-3'

ClinVar aggregate classification (germline): Pathogenic (1 of 4 stars; one submission).

Conditions:
Cardiovascular phenotype. Identifiers: MedGen CN230736.

Submission:

Ambry Genetics
Classification: Pathogenic for Cardiovascular phenotype. Last evaluated: 2023-06-22. Review status: criteria provided, single submitter. Criteria: Ambry Variant Classification Scheme 2023. Collection method: clinical testing. Allele origin: germline.
Comment: The c.42dupT pathogenic mutation, located in coding exon 1 of the APOA5 gene, results from a duplication of T at nucleotide position 42, causing a translational frameshift with a predicted alternate stop codon (p.L15Sfs*47). This variant is considered to be rare based on population cohorts in the Genome Aggregation Database (gnomAD). This alteration is expected to result in loss of function by premature protein truncation or nonsense-mediated mRNA decay. As such, this alteration is interpreted as a disease-causing mutation.